The following is an entry in ClinVar:

NM_001845.6(COL4A1):c.1022G>C (p.Gly341Ala)

Gene: COL4A1 (collagen type IV alpha 1 chain; minus strand). Cytogenetic location: 13q34.
Variant type: single nucleotide variant.
Coding change: c.1022G>C on transcript NM_001845.6 (MANE Select); coding-DNA position 1022, G replaced by C.
Protein change: p.Gly341Ala; replaces glycine 341 with alanine.
Molecular consequence: missense variant.
Genome position (GRCh38, 1-based): chr13:110,201,500, C>G on the plus strand (G>C on the coding strand, the complement: COL4A1 is on the minus strand). VCF-style: chr13-110201500-C-G. GRCh37 (hg19) VCF-style: chr13-110853847-C-G.
Other names: c.1022G>C (NM_001845.5); c.1022G>C, p.Gly341Ala (NM_001303110.2); short protein forms G341A.
Identifiers: ClinVar variation 1922707 (VCV001922707.7), dbSNP rs1879237220, ClinGen allele CA388724444.

ClinVar aggregate classification (germline): Likely pathogenic. Review status: criteria provided, multiple submitters, no conflicts (2 of 4 stars). 3 submissions from 3 submitters: Likely pathogenic (2). 1 of the submissions does not count toward it. Last evaluated 2024-03-28.

Conditions:
Autosomal dominant familial hematuria-retinal arteriolar tortuosity-contractures syndrome. Also called: Hereditary Angiopathy with Nephropathy, Aneurysms, and Muscle Cramps (HANAC) Syndrome; Angiopathy, hereditary, with nephropathy, aneurysms, and muscle cramps. Identifiers: Orphanet 73229, MedGen C2673195, MONDO:0012726, OMIM 611773.
Hemorrhage, intracerebral, susceptibility to (ICH). Also called: Stroke, hemorrhagic, susceptibility to. Identifiers: MedGen C3281105, MONDO:0100533, OMIM 614519.
Brain small vessel disease 1 with or without ocular anomalies (BSVD1). Also called: BRAIN SMALL VESSEL DISEASE WITH HEMORRHAGE; GOULD SYNDROME 1; Brain small vessel disease with or without ocular anomalies; PORENCEPHALY, TYPE 1, AUTOSOMAL DOMINANT. Identifiers: Orphanet 2940, Orphanet 36383, Orphanet 99810, MedGen C4755307, MONDO:0008289, OMIM 175780.
Microangiopathy and leukoencephalopathy, pontine, autosomal dominant. Also called: DEMENTIA, HEREDITARY MULTI-INFARCT, SWEDISH TYPE; Pontine autosomal dominant microangiopathy with leukoencephalopathy. Identifiers: Orphanet 477749, MedGen C5231411, MONDO:0032814, OMIM 618564.
Retinal arterial tortuosity. Also called: Retinal arteries, tortuosity of; RETINAL HEMORRHAGE WITH VASCULAR TORTUOSITY. Identifiers: Orphanet 75326, MedGen C0423401, MONDO:0008373, OMIM 180000, HP:0000631.
COL4A1-related disorder. Also called: COL4A1-related condition; COL4A1-related disorders. Identifiers: MedGen CN376119, MONDO:0800461.

Submissions (3):

Fulgent Genetics
Classification: Likely pathogenic for Brain small vessel disease 1 with or without ocular anomalies; Retinal arterial tortuosity; Autosomal dominant familial hematuria-retinal arteriolar tortuosity-contractures syndrome; Hemorrhage, intracerebral, susceptibility to; Microangiopathy and leukoencephalopathy, pontine, autosomal dominant. Last evaluated: 2024-03-28. Review status: criteria provided, single submitter. Criteria: ACMG Guidelines, 2015. Collection method: clinical testing. Allele origin: germline.

Labcorp Genetics (formerly Invitae), Labcorp
Classification: Likely pathogenic. Last evaluated: 2022-11-07. Review status: criteria provided, single submitter. Criteria: Invitae Variant Classification Sherloc (09022015). Collection method: clinical testing. Allele origin: germline.
Comment: This variant has not been reported in the literature in individuals affected with COL4A1-related conditions. This variant is not present in population databases (gnomAD no frequency). This sequence change replaces glycine, which is neutral and non-polar, with alanine, which is neutral and non-polar, at codon 341 of the COL4A1 protein (p.Gly341Ala). In summary, the currently available evidence indicates that the variant is pathogenic, but additional data are needed to prove that conclusively. Therefore, this variant has been classified as Likely Pathogenic. This variant disrupts the triple helix domain of COL4A1. Glycine residues within the Gly-Xaa-Yaa repeats of the triple helix domain are required for the structure and stability of fibrillar collagens (PMID: 7695699, 8218237, 19344236). In COL4A1 variants affecting these glycine residues are significantly enriched in individuals with disease (PMID: 9016532, 17078022) compared to the general population (ExAC). Advanced modeling of protein sequence and biophysical properties (such as structural, functional, and spatial information, amino acid conservation, physicochemical variation, residue mobility, and thermodynamic stability) performed at Invitae indicates that this missense variant is not expected to disrupt COL4A1 protein function.

PreventionGenetics, part of Exact Sciences
Classification: Likely pathogenic for COL4A1-related condition. Last evaluated: 2024-08-16. Review status: no assertion criteria provided. Collection method: clinical testing. Allele origin: germline. Not counted in ClinVar's aggregate classification.
Comment: The COL4A1 c.1022G>C variant is predicted to result in the amino acid substitution p.Gly341Ala. To our knowledge, this variant has not been reported in the literature or in a large population database, indicating this variant is rare. This variant impacts a glycine (Gly) residue within the highly conserved collagen triple helical domain (Gly-X-Y; amino acids 173-1440) where Gly substitutions are expected to be pathogenic. This variant is interpreted as likely pathogenic.

Literature cited by the submitters: PubMed 7695699 (cited by Labcorp Genetics (formerly Invitae), Labcorp); PubMed 8218237 (cited by Labcorp Genetics (formerly Invitae), Labcorp); PubMed 19344236 (cited by Labcorp Genetics (formerly Invitae), Labcorp); PubMed 9016532 (cited by Labcorp Genetics (formerly Invitae), Labcorp); PubMed 17078022 (cited by Labcorp Genetics (formerly Invitae), Labcorp).